The following is an entry in ClinVar:

ClinVar aggregate classification (germline): Likely benign. Review status: criteria provided, multiple submitters, no conflicts (2 of 4 stars). 2 submissions from 2 submitters: Likely benign (2). Last evaluated 2025-10-06.

Conditions:
AGTR1-related disorder. Also called: AGTR1-related condition.

gnomAD v4.1: 49 of 1,613,984 alleles (0.003%); highest among the groups gnomAD compares: Non-Finnish European, 0.0039%; no homozygotes.

Submissions (2):

PreventionGenetics, part of Exact Sciences
Classification: Likely benign for AGTR1-related condition. Last evaluated: 2025-10-06. Review status: criteria provided, single submitter. Criteria: ACMG Guidelines, 2015. Collection method: clinical testing. Allele origin: germline.
Comment: This variant is classified as likely benign based on ACMG/AMP sequence variant interpretation guidelines (Richards et al. 2015 PMID: 25741868, with internal and published modifications).

Labcorp Genetics (formerly Invitae), Labcorp
Classification: Likely benign. Last evaluated: 2025-03-23. Review status: criteria provided, single submitter. Criteria: Invitae Variant Classification Sherloc (09022015). Collection method: clinical testing. Allele origin: germline.

NM_000685.5(AGTR1):c.549T>C (p.His183=)

Gene: AGTR1 (angiotensin II receptor type 1; plus strand). Cytogenetic location: 3q24.
Variant type: single nucleotide variant.
Coding change: c.549T>C on transcript NM_000685.5 (MANE Select); coding-DNA position 549, T replaced by C.
Protein change: p.His183=; no amino-acid change (histidine 183 retained).
Molecular consequence: synonymous variant.
Genome position (GRCh38, 1-based): chr3:148,741,584, T>C. VCF-style: chr3-148741584-T-C. GRCh37 (hg19) VCF-style: chr3-148459371-T-C.
Other names: c.549T>C, p.His183= (NM_001382736.1, NM_001382737.1, NM_004835.5 and 3 more transcripts); c.549T>C (NM_000685.4).
Identifiers: ClinVar variation 4753603 (VCV004753603.2).
Genomic context (GRCh38, chr3:148,741,584, plus strand): 5'-TATAATCCATCGAAATGTATTTTTCATTGAGAACACCAATATTACAGTTTGTGCTTTCCA[T>C]TATGAGTCCCAAAATTCAACCCTCCCGATAGGGCTGGGCCTGACCAAAAATATACTGGGT-3'
Protein context (NP_000676.1, residues 173-193): ENTNITVCAF[His183=]YESQNSTLPI